The following is an entry in ClinVar:

ClinVar aggregate classification (germline): Pathogenic (1 of 4 stars; one submission).

Conditions:
Mucopolysaccharidosis, MPS-III-A (MPS3A). Also called: HEPARAN SULFATE SULFATASE DEFICIENCY; SANFILIPPO SYNDROME A; SULFAMIDASE DEFICIENCY; MPS III A; MUCOPOLYSACCHARIDOSIS, TYPE IIIA, ATTENUATED; Mucopolysaccharidosis type IIIA (Sanfilippo A). Identifiers: Orphanet 581, Orphanet 79269, MedGen C0086647, MONDO:0009655, OMIM 252900.

Submission:

Myriad Genetics, Inc.
Classification: Pathogenic for Mucopolysaccharidosis, MPS-III-A. Last evaluated: 2023-08-21. Review status: criteria provided, single submitter. Criteria: Myriad Autosomal Dominant, Autosomal Recessive and X-Linked Classification Criteria (2023). Collection method: clinical testing. Allele origin: unknown.
Comment: NM_000199.3(SGSH):c.579_580delCT(F193Lfs*2) is expected to be pathogenic in the context of mucopolysaccharidosis type IIIA. This variant is predicted to lead to an abnormal or absent protein product due to the creation of a premature termination codon in SGSH, a gene where loss-of-function variants are known to be pathogenic. Please note: this variant was assessed in the context of healthy population screening.

NM_000199.5(SGSH):c.579_580del (p.Phe193fs)

Gene: SGSH (N-sulfoglucosamine sulfohydrolase; minus strand). Cytogenetic location: 17q25.3.
Variant type: Deletion.
Coding change: c.579_580del on transcript NM_000199.5 (MANE Select); coding-DNA positions 579 to 580, 2 bases deleted (CT; older notation c.579_580delCT).
Protein change: p.Phe193fs; shifts the reading frame from phenylalanine 193.
Molecular consequence: frameshift variant. On other transcripts: non-coding transcript variant (1).
Genome position (GRCh38, 1-based): chr17:80,214,255-80,214,256, AG deleted on the plus strand (CT on the coding strand, the reverse complement: SGSH is on the minus strand); deleting any 2 consecutive bases within chr17:80,214,255-80,214,257 gives the same sequence; the c. name uses the placement nearest the transcript's 3' end. VCF-style (leftmost placement, unchanged base first): chr17-80214254-CAG-C. GRCh37 (hg19) VCF-style: chr17-78188053-CAG-C.
Other names: c.579_580del, p.Phe193fs (NM_001352921.3, NM_001352922.2); short protein forms F193fs.
Identifiers: ClinVar variation 5011435 (VCV005011435.1).